The following is an entry in ClinVar:

ClinVar aggregate classification (germline): Uncertain significance. Review status: criteria provided, multiple submitters, no conflicts (2 of 4 stars). 2 submissions from 2 submitters: Uncertain significance (2). Last evaluated 2024-11-15.

Conditions:
Hereditary cancer-predisposing syndrome. Also called: Hereditary neoplastic syndrome; Tumor predisposition; Neoplastic Syndromes, Hereditary; Hereditary Cancer Syndrome. Identifiers: Orphanet 140162, MedGen C0027672, MeSH D009386, MONDO:0015356.

Submissions (2):

Labcorp Genetics (formerly Invitae), Labcorp
Classification: Uncertain significance. Last evaluated: 2024-11-15. Review status: criteria provided, single submitter. Criteria: Invitae Variant Classification Sherloc (09022015). Collection method: clinical testing. Allele origin: germline.
Comment: This sequence change falls in intron 10 of the MSH3 gene. It does not directly change the encoded amino acid sequence of the MSH3 protein. It affects a nucleotide within the consensus splice site. This variant is present in population databases (rs774648275, gnomAD 0.007%). This variant has not been reported in the literature in individuals affected with MSH3-related conditions. ClinVar contains an entry for this variant (Variation ID: 655564). Variants that disrupt the consensus splice site are a relatively common cause of aberrant splicing (PMID: 17576681, 9536098). Studies have shown that this variant is associated with inconclusive levels of altered splicing (internal data). In summary, the available evidence is currently insufficient to determine the role of this variant in disease. Therefore, it has been classified as a Variant of Uncertain Significance.

Ambry Genetics
Classification: Uncertain significance for Hereditary cancer-predisposing syndrome. Last evaluated: 2023-12-21. Review status: criteria provided, single submitter. Criteria: Ambry Variant Classification Scheme 2023. Collection method: clinical testing. Allele origin: germline.
Comment: The c.1568+3_1568+6delAAGT intronic variant, located in intron 10 of the MSH3 gene, results from a deletion of 4 nucleotides within intron 10 of the MSH3 gene. This nucleotide region is well conserved in available vertebrate species. In silico splice site analysis predicts that this alteration will weaken the native splice donor site. Since supporting evidence is limited at this time, the clinical significance of this alteration remains unclear.

Literature cited by the submitters: PubMed 17576681 (cited by Labcorp Genetics (formerly Invitae), Labcorp); PubMed 9536098 (cited by Labcorp Genetics (formerly Invitae), Labcorp).

NM_002439.5(MSH3):c.1568+3_1568+6del

Gene: MSH3 (mutS homolog 3; plus strand). Cytogenetic location: 5q14.1.
Variant type: Deletion.
Coding change: c.1568+3_1568+6del on transcript NM_002439.5 (MANE Select); bases 3 to 6 of the intron after coding-DNA position 1568, 4 bases deleted (AAGT; older notation c.1568+3_1568+6delAAGT).
Molecular consequence: splice donor variant.
Genome position (GRCh38, 1-based): chr5:80,728,968-80,728,971, AAGT deleted; deleting any 4 consecutive bases within chr5:80,728,965-80,728,971 gives the same sequence; the c. name uses the placement nearest the transcript's 3' end. VCF-style (leftmost placement, unchanged base first): chr5-80728964-GAGTA-G. GRCh37 (hg19) VCF-style: chr5-80024783-GAGTA-G.
Other names: c.1568+3_1568+6delAAGT (NM_002439.4).
Identifiers: ClinVar variation 655564 (VCV000655564.11), dbSNP rs774648275, ClinGen allele CA3327955.